The following is an entry in ClinVar:

ClinVar aggregate classification (germline): Uncertain significance (1 of 4 stars; one submission).

gnomAD v4.1: 8 of 1,590,414 alleles (0.0005%); highest among the groups gnomAD compares: South Asian, 0.0093%; no homozygotes.

Submission:

GeneDx
Classification: Uncertain significance. Last evaluated: 2026-03-15. Review status: criteria provided, single submitter. Criteria: GeneDx Variant Classification Process June 2021. Collection method: clinical testing. Allele origin: germline.
Comment: In silico analysis suggests that this missense variant does not alter protein structure/function; Has not been previously published as pathogenic or benign to our knowledge

NM_020821.3(VPS13C):c.9972C>G (p.Phe3324Leu)

Gene: VPS13C (vacuolar protein sorting 13 homolog C; minus strand). Cytogenetic location: 15q22.2.
Variant type: single nucleotide variant.
Coding change: c.9972C>G on transcript NM_020821.3 (MANE Select); coding-DNA position 9972, C replaced by G.
Protein change: p.Phe3324Leu; replaces phenylalanine 3324 with leucine.
Molecular consequence: missense variant.
Genome position (GRCh38, 1-based): chr15:61,880,639, G>C on the plus strand (C>G on the coding strand, the complement: VPS13C is on the minus strand). VCF-style: chr15-61880639-G-C. GRCh37 (hg19) VCF-style: chr15-62172838-G-C.
Other names: c.9972C>G, p.Phe3324Leu (NM_001018088.3); c.9843C>G, p.Phe3281Leu (NM_017684.5, NM_018080.4); short protein forms F3281L, F3324L.
Identifiers: ClinVar variation 5009265 (VCV005009265.1).